The following is an entry in ClinVar:

NM_000516.7(GNAS):c.1_2delinsGC (p.Met1Ala)

Gene: GNAS (GNAS complex locus; plus strand). Cytogenetic location: 20q13.32.
Variant type: Indel.
Coding change: c.1_2delinsGC on transcript NM_000516.7 (MANE Select); coding-DNA positions 1 to 2, AT replaced by GC.
Protein change: p.Met1Ala; changes the start codon (methionine 1).
Molecular consequence: missense variant, initiator codon variant. On other transcripts: intron variant (6).
Genome position (GRCh38, 1-based): chr20:58,891,727-58,891,728, AT replaced by GC. VCF-style: chr20-58891727-AT-GC. GRCh37 (hg19) VCF-style: chr20-57466782-AT-GC.
Other names: c.1_2delinsGC, p.Met1Ala (NM_001077488.5, NM_001077489.4, NM_001309842.2 and 1 more transcripts); c.*43-3885_*43-3884delinsGC (NM_016592.5); c.-38-3885_-38-3884delinsGC (NM_001309861.2); c.*1-3885_*1-3884delinsGC (NM_001077490.3); c.2069-3885_2069-3884delinsGC (NM_080425.4); c.*159-3885_*159-3884delinsGC (NM_001309883.1); c.-39+2374_-39+2375delinsGC (NM_001309840.2); short protein forms M1A.
Identifiers: ClinVar variation 2022154 (VCV002022154.6), dbSNP rs2516794817, ClinGen allele CA2580098305.

ClinVar aggregate classification (germline): Pathogenic. Review status: criteria provided, multiple submitters, no conflicts (2 of 4 stars). 2 submissions from 2 submitters: Pathogenic (2). Last evaluated 2022-08-06.

Conditions:
GNAS-related disorder. Identifiers: MedGen CN380105.

Submissions (2):

Labcorp Genetics (formerly Invitae), Labcorp
Classification: Pathogenic. Last evaluated: 2022-08-06. Review status: criteria provided, single submitter. Criteria: Invitae Variant Classification Sherloc (09022015). Collection method: clinical testing. Allele origin: germline.
Comment: Algorithms developed to predict the effect of variants on protein structure and function are not available or were not evaluated for this variant. Disruption of the initiator codon has been observed in individual(s) with clinical features of pseudopseudohypoparathyroidism (PMID: 21713996). In at least one individual the variant was observed to be de novo. Experimental studies have shown that disruption of the initiator codon affects GNAS function (PMID: 21713996). For these reasons, this variant has been classified as Pathogenic. This sequence change affects the initiator methionine of the GNAS mRNA. The next in-frame methionine is located at codon 60. Information on the frequency of this variant in the gnomAD database is not available, as this variant may be reported differently in the database.

Blueprint Genetics
Classification: Pathogenic for GNAS-related disorders. Last evaluated: 2021-07-20. Review status: criteria provided, single submitter. Criteria: ACMG Guidelines, 2015. Collection method: clinical testing. Allele origin: germline. Affected: yes. Observed: 1 variant allele.

Literature cited by the submitters: PubMed 21713996 (cited by Labcorp Genetics (formerly Invitae), Labcorp).